The following is an entry in ClinVar:

NM_183357.3(ADCY5):c.7G>A (p.Gly3Ser)

Gene: ADCY5 (adenylate cyclase 5; minus strand). Cytogenetic location: 3q21.1.
Variant type: single nucleotide variant.
Coding change: c.7G>A on transcript NM_183357.3 (MANE Select); coding-DNA position 7, G replaced by A.
Protein change: p.Gly3Ser; replaces glycine 3 with serine.
Molecular consequence: missense variant.
Genome position (GRCh38, 1-based): chr3:123,448,539, C>T on the plus strand (G>A on the coding strand, the complement: ADCY5 is on the minus strand). VCF-style: chr3-123448539-C-T. GRCh37 (hg19) VCF-style: chr3-123167386-C-T.
Other names: c.7G>A, p.Gly3Ser (NM_001378259.1); short protein forms G3S.
Identifiers: ClinVar variation 1949485 (VCV001949485.9), dbSNP rs1279127415, ClinGen allele CA354359114.

ClinVar aggregate classification (germline): Uncertain significance. Review status: criteria provided, multiple submitters, no conflicts (2 of 4 stars). 2 submissions from 2 submitters: Uncertain significance (2). Last evaluated 2026-01-01.

Allele frequency attached by ClinVar (database versions not stated): gnomAD exomes below 0.00001.
gnomAD v4.1: 3 of 1,263,962 alleles (0.00024%); highest among the groups gnomAD compares: East Asian, 0.0032%; no homozygotes.

Submissions (2):

CeGaT Center for Human Genetics Tuebingen
Classification: Uncertain significance. Last evaluated: 2026-01-01. Review status: criteria provided, single submitter. Criteria: CeGaT Center For Human Genetics Tuebingen Variant Classification Criteria Version 2. Collection method: clinical testing. Allele origin: germline. Affected: yes. Observed: 1 variant allele.
Comment: ADCY5: PM2

Labcorp Genetics (formerly Invitae), Labcorp
Classification: Uncertain significance. Last evaluated: 2022-09-23. Review status: criteria provided, single submitter. Criteria: Invitae Variant Classification Sherloc (09022015). Collection method: clinical testing. Allele origin: germline.
Comment: This sequence change replaces glycine, which is neutral and non-polar, with serine, which is neutral and polar, at codon 3 of the ADCY5 protein (p.Gly3Ser). This variant is not present in population databases (gnomAD no frequency). This variant has not been reported in the literature in individuals affected with ADCY5-related conditions. Advanced modeling of protein sequence and biophysical properties (such as structural, functional, and spatial information, amino acid conservation, physicochemical variation, residue mobility, and thermodynamic stability) performed at Invitae indicates that this missense variant is not expected to disrupt ADCY5 protein function. In summary, the available evidence is currently insufficient to determine the role of this variant in disease. Therefore, it has been classified as a Variant of Uncertain Significance.